The following is an entry in ClinVar:

ClinVar aggregate classification (germline): Uncertain significance (1 of 4 stars; one submission).

Conditions:
Hereditary cancer-predisposing syndrome. Also called: Neoplastic Syndromes, Hereditary; Tumor predisposition; Hereditary Cancer Syndrome; Hereditary neoplastic syndrome. Identifiers: Orphanet 140162, MedGen C0027672, MeSH D009386, MONDO:0015356.

Submission:

Ambry Genetics
Classification: Uncertain significance for Hereditary cancer-predisposing syndrome. Last evaluated: 2025-08-22. Review status: criteria provided, single submitter. Criteria: Ambry Variant Classification Scheme 2023. Collection method: clinical testing. Allele origin: germline.
Comment: The p.N1332S variant (also known as c.3995A>G), located in coding exon 20 of the BLM gene, results from an A to G substitution at nucleotide position 3995. The asparagine at codon 1332 is replaced by serine, an amino acid with highly similar properties. This amino acid position is conserved. In addition, this alteration is predicted to be tolerated by in silico analysis. Based on the available evidence, the clinical significance of this variant remains unclear.

NM_000057.4(BLM):c.3995A>G (p.Asn1332Ser)

Gene: BLM (BLM RecQ like helicase; plus strand). Cytogenetic location: 15q26.1.
Variant type: single nucleotide variant.
Coding change: c.3995A>G on transcript NM_000057.4 (MANE Select); coding-DNA position 3995, A replaced by G.
Protein change: p.Asn1332Ser; replaces asparagine 1332 with serine.
Molecular consequence: missense variant.
Genome position (GRCh38, 1-based): chr15:90,811,325, A>G. VCF-style: chr15-90811325-A-G. GRCh37 (hg19) VCF-style: chr15-91354555-A-G.
Other names: c.3995A>G, p.Asn1332Ser (NM_001287246.2); c.3602A>G, p.Asn1201Ser (NM_001287247.2); c.2870A>G, p.Asn957Ser (NM_001287248.2); short protein forms N1201S, N1332S, N957S.
Identifiers: ClinVar variation 4212062 (VCV004212062.1).